The following is an entry in ClinVar:

NC_000001.10:g.(?_193110974)_(193219848_?)dup

Genes: B3GALT2 (beta-1,3-galactosyltransferase 2; minus strand), CDC73 (cell division cycle 73; plus strand), LOC129932147 (ATAC-STARR-seq lymphoblastoid active region 2269; plus strand). Cytogenetic location: 1q31.2.
Variant type: Duplication.
Identifiers: ClinVar variation 531667 (VCV000531667.1).

ClinVar aggregate classification (germline): Uncertain significance (1 of 4 stars; one submission).

Conditions:
Parathyroid carcinoma (PRTC). Also called: CDC73-Related Parathyroid Carcinoma; Parathyroid gland carcinoma. Identifiers: Orphanet 143, MedGen C0687150, MONDO:0012004, OMIM 608266, HP:0006780.

Submission:

Labcorp Genetics (formerly Invitae), Labcorp
Classification: Uncertain significance for Parathyroid carcinoma. Last evaluated: 2018-03-31. Review status: criteria provided, single submitter. Criteria: Invitae Variant Classification Sherloc (09022015). Collection method: clinical testing. Allele origin: germline.
Comment: This variant is a gross duplication of the genomic region encompassing exons 7-17 of the CDC73 gene. The 5' boundary is likely confined to intron 6. The 3' end of this event is unknown as it extends beyond the assayed region for this gene and therefore may encompass additional genes. The exact location of this variant in the genome is unknown. This variant has not been reported in the literature in individuals with CDC73-related disease. In summary, the available evidence is currently insufficient to determine the role of this variant in disease. Therefore, it has been classified as a Variant of Uncertain Significance.